The following is an entry in ClinVar:

NM_007294.4(BRCA1):c.70T>C (p.Cys24Arg)

Gene: BRCA1 (BRCA1 DNA repair associated; minus strand). Cytogenetic location: 17q21.31.
Variant type: single nucleotide variant.
Coding change: c.70T>C on transcript NM_007294.4 (MANE Select); coding-DNA position 70, T replaced by C.
Protein change: p.Cys24Arg; replaces cysteine 24 with arginine.
Molecular consequence: missense variant. On other transcripts: 5 prime UTR variant (1), non-coding transcript variant (1).
Genome position (GRCh38, 1-based): chr17:43,124,027, A>G on the plus strand (T>C on the coding strand, the complement: BRCA1 is on the minus strand). VCF-style: chr17-43124027-A-G. GRCh37 (hg19) VCF-style: chr17-41276044-A-G.
Other names: c.-119T>C (NM_001407571.1, NM_001407853.1, NM_001407879.1 and 46 more transcripts); c.70T>C, p.Cys24Arg (NM_001407581.1, NM_001407582.1, NM_001407583.1 and 193 more transcripts); c.-188T>C (NM_001407694.1, NM_001407724.1, NM_001407727.1 and 11 more transcripts); c.-192T>C (NM_001407695.1, NM_001408465.1); c.-333T>C (NM_001407696.1); c.-217T>C (NM_001407697.1, NM_001407846.1, NM_001407920.1); c.-18T>C (NM_001407698.1, NM_001407732.1, NM_001407736.1 and 23 more transcripts); c.-191T>C (NM_001407725.1, NM_001407730.1, NM_001407734.1 and 22 more transcripts); and 8 more; short protein forms C24R.
Identifiers: ClinVar variation 55674 (VCV000055674.20), dbSNP rs80357410, ClinGen allele CA003829.

ClinVar aggregate classification (germline): Pathogenic/Likely pathogenic. Review status: criteria provided, multiple submitters, no conflicts (2 of 4 stars). 7 submissions from 7 submitters: Pathogenic (4); Likely pathogenic (2). 1 of the submissions does not count toward it. Last evaluated 2024-07-16.

Conditions:
Hereditary cancer-predisposing syndrome. Also called: Hereditary Cancer Syndrome; Hereditary neoplastic syndrome; Neoplastic Syndromes, Hereditary; Tumor predisposition. Identifiers: Orphanet 140162, MedGen C0027672, MeSH D009386, MONDO:0015356.
Hereditary breast ovarian cancer syndrome. Also called: BRCA1- and BRCA2-Associated Hereditary Breast and Ovarian Cancer; Hereditary breast and ovarian cancer syndrome; Hereditary breast and ovarian cancer syndrome (HBOC); Breast and ovarian cancer; Hereditary breast and/or ovarian cancer syndrome; Hereditary breast and ovarian cancer. Identifiers: Orphanet 145, MedGen C0677776, MeSH D061325, MONDO:0003582. Disease mechanism: loss of function.
Breast-ovarian cancer, familial, susceptibility to, 1 (BROVCA1). Also called: BRCA1 Hereditary Breast and Ovarian Cancer; OVARIAN CANCER, SUSCEPTIBILITY TO. Identifiers: Orphanet 145, MedGen C2676676, MONDO:0011450, OMIM 604370. Disease mechanism: loss of function.

Submissions (8):

Labcorp Genetics (formerly Invitae), Labcorp
Classification: Pathogenic for Hereditary breast ovarian cancer syndrome. Last evaluated: 2024-07-16. Review status: criteria provided, single submitter. Criteria: Invitae Variant Classification Sherloc (09022015). Collection method: clinical testing. Allele origin: germline.
Comment: This sequence change replaces cysteine, which is neutral and slightly polar, with arginine, which is basic and polar, at codon 24 of the BRCA1 protein (p.Cys24Arg). This variant is not present in population databases (gnomAD no frequency). This missense change has been observed in individual(s) with increased risk of breast and/or ovarian cancer (PMID: 29446198). ClinVar contains an entry for this variant (Variation ID: 55674). Advanced modeling performed at Invitae incorporating data from internal and/or published experimental studies (PMID: 30209399) indicates that this missense variant is expected to disrupt BRCA1 function with a positive predictive value of 95%. Experimental studies have shown that this missense change affects BRCA1 function (PMID: 11320250, 21725363, 23161852, 24489791, 25823446). This variant disrupts the p.Cys24 amino acid residue in BRCA1. Other variant(s) that disrupt this residue have been determined to be pathogenic (PMID: 18489799, 24249303, 25823446, 29176636, 30209399). This suggests that this residue is clinically significant, and that variants that disrupt this residue are likely to be disease-causing. For these reasons, this variant has been classified as Pathogenic.

Quest Diagnostics Nichols Institute San Juan Capistrano
Classification: Pathogenic. Last evaluated: 2024-05-17. Review status: criteria provided, single submitter. Criteria: Quest Diagnostics criteria. Collection method: clinical testing. Allele origin: unknown.
Comment: The BRCA1 c.70T>C (p.Cys24Arg) variant has been reported in the published literature in one individual with breast and/or ovarian cancer (PMID: 32566972 (2020)). This variant has not been reported in large, multi-ethnic general populations (Genome Aggregation Database). The variant is located in a region that is considered important for protein function and/or structure (PMID: 16403807 (2006), PMID: 20103620 (2010)). Experimental studies demonstrated that this variant was damaging to protein function (PMID: 16403807 (2006), PMID: 20103620 (2010), PMID: 23161852 (2013), PMID: 25823446 (2015), PMID: 30209399 (2018)). Analysis of this variant using bioinformatics tools for the prediction of the effect of amino acid changes on protein structure and function yielded predictions that this variant is damaging. Based on the available information, this variant is classified as pathogenic.

Ambry Genetics
Classification: Pathogenic for Hereditary cancer-predisposing syndrome. Last evaluated: 2024-04-15. Review status: criteria provided, single submitter. Criteria: Ambry Variant Classification Scheme 2023. Collection method: clinical testing. Allele origin: germline.
Comment: The p.C24R pathogenic mutation (also known as c.70T>C), located in coding exon 1 of the BRCA1 gene, results from a T to C substitution at nucleotide position 70. The cysteine at codon 24 is replaced by arginine, an amino acid with highly dissimilar properties. This variant is non-functional in multiple assays including a BARD1 binding assay, a E3 Ubiquitin Ligase activity assay, a homology-directed repair assay, and a high throughput genome editing haploid cell survival assay (Findlay GM et al. Nature, 2018 10;562:217-222, Starita LM et al. Genetics, 2015 Jun;200:413-22, Towler WI et al. Hum. Mutat., 2013 Mar;34:439-45). Based on internal structural assessment, this alteration disrupts one of the Zn-binding sites of the BRCA1 RING domain (Ambry internal data; Brzovic PS et al. Nat. Struct. Biol., 2001 Oct;8:833-7). Multiple pathogenic alterations are located at this position highlighting its sensitivity to amino acid substitution (Ambry internal data). This variant is considered to be rare based on population cohorts in the Genome Aggregation Database (gnomAD). Based on the supporting evidence, this variant is interpreted as a disease-causing mutation.

Baylor Genetics
Classification: Likely pathogenic for Breast-ovarian cancer, familial, susceptibility to, 1. Last evaluated: 2021-12-08. Review status: criteria provided, single submitter. Criteria: ACMG Guidelines, 2015. Collection method: clinical testing. Allele origin: unknown.

Women's Health and Genetics/Laboratory Corporation of America, LabCorp
Classification: Likely pathogenic for Hereditary breast ovarian cancer syndrome. Last evaluated: 2016-05-11. Review status: criteria provided, single submitter. Criteria: LabCorp Variant Classification Summary - May 2015. Collection method: clinical testing. Allele origin: germline.
Comment: Variant summary: The BRCA1 c.70T>C (p.Cys24Arg) variant involves the alteration of a conserved nucleotide resulting in a replacement of a conserved canonical Cysteine residue of the BRCA1 domain with an Arginine. Cysteine residues are known to be essential for Zn ion coordination and for proper folding of the RING domain of the BRCA1 protein (PMID: 11573085). Mutations of these Cysteine residues are known to be clinically relevant, and predispose individuals to cancer (BIC, HGMD). Consistently, 5/5 in silico tool predict this variant to be deleterious. Furthermore, it is absent in 120972 control chromosomes. It was reported by the BIC database in two affected members of a family further supporting its pathogenicity. Multiple independent functional studies have demonstrated that this variant results in a loss of homology directed repair activity of BRCA1 in addition to a loss of E3 ubiquitin ligase activity as well as its ability to bind to the RING domain of the BARD1 protein. A congruence of multiple functional studies further supports a disease causing impact for this variant. Two databases classify variant as Pathogenic (UMD, HGMD) while ClinVar lists this variant as Uncertain dating back to an evaluation performed in 2002 prior to the publications reporting multiple functional impacts. Considering all available lines of evidence, the variant is classified as Likely Pathogenic variant in the BRCA1 gene.

Consortium of Investigators of Modifiers of BRCA1/2 (CIMBA), c/o University of Cambridge
Classification: Pathogenic for Breast-ovarian cancer, familial, susceptibility to, 1. Last evaluated: 2015-10-02. Review status: criteria provided, single submitter. Criteria: CIMBA Mutation Classification guidelines May 2016. Collection method: clinical testing. Allele origin: germline.

Breast Cancer Information Core (BIC) (BRCA1)
Classification: Uncertain significance for Breast-ovarian cancer, familial 1. Last evaluated: 2002-05-29. Review status: no assertion criteria provided. Collection method: clinical testing. Allele origin: germline. Affected: yes. Observed: 2 variant alleles. Not counted in ClinVar's aggregate classification.

Brotman Baty Institute, University of Washington
No classification provided (evidence only). Condition: Breast-ovarian cancer, familial 1. Review status: no classification provided. Collection method: in vitro. Allele origin: not applicable. Functional consequence: functionally_abnormal. Not counted in ClinVar's aggregate classification.
ClinVar note: "not provided" was previously submitted as the classification for the variant. However, the classification appeared to be based only on an observation of functional data so it was converted to no classification on 2025-07-30.

Literature cited by the submitters: PubMed 29446198 (cited by Labcorp Genetics (formerly Invitae), Labcorp and Quest Diagnostics Nichols Institute San Juan Capistrano); PubMed 30209399 (cited by 3 submitters); PubMed 11320250 (cited by Labcorp Genetics (formerly Invitae), Labcorp and Quest Diagnostics Nichols Institute San Juan Capistrano); PubMed 21725363 (cited by 3 submitters); PubMed 23161852 (cited by 4 submitters); PubMed 24489791 (cited by Labcorp Genetics (formerly Invitae), Labcorp); PubMed 25823446 (cited by 4 submitters); PubMed 18489799 (cited by Labcorp Genetics (formerly Invitae), Labcorp); PubMed 24249303 (cited by Labcorp Genetics (formerly Invitae), Labcorp); PubMed 29176636 (cited by Labcorp Genetics (formerly Invitae), Labcorp); PubMed 32566972 (cited by Quest Diagnostics Nichols Institute San Juan Capistrano); PubMed 20103620 (cited by Quest Diagnostics Nichols Institute San Juan Capistrano and Women's Health and Genetics/Laboratory Corporation of America, LabCorp); PubMed 16403807 (cited by Quest Diagnostics Nichols Institute San Juan Capistrano and Women's Health and Genetics/Laboratory Corporation of America, LabCorp); PubMed 33087888 (cited by Quest Diagnostics Nichols Institute San Juan Capistrano); PubMed 15385441 (cited by Women's Health and Genetics/Laboratory Corporation of America, LabCorp).